The following is an entry in ClinVar:

ClinVar aggregate classification (germline): Uncertain significance. Review status: criteria provided, multiple submitters, no conflicts (2 of 4 stars). 5 submissions from 5 submitters: Uncertain significance (5). Last evaluated 2026-08-01.

Conditions:
Perrault syndrome. Also called: Gonadal dysgenesis with auditory dysfunction, autosomal recessive inheritance. Identifiers: Orphanet 2855, MedGen C0685838, MONDO:0017312.
Bifunctional peroxisomal enzyme deficiency (DBIF). Also called: D-bifunctional protein deficiency; PBFE DEFICIENCY; DBP DEFICIENCY. Identifiers: Orphanet 300, MedGen C0342870, MONDO:0009855, OMIM 261515. Disease mechanism: loss of function.
HSD17B4-related disorder. Also called: HSD17B4-related disorders; HSD17B4-related condition.
Inborn genetic diseases. Identifiers: MedGen C0950123, MeSH D030342.

Allele frequency attached by ClinVar (database versions not stated): TOPMed 0.00003; ESP Exome Variant Server 0.00015.
gnomAD v4.1: 104 of 1,612,668 alleles (0.0064%); highest among the groups gnomAD compares: Non-Finnish European, 0.0081%; no homozygotes.

Submissions (5):

CeGaT Center for Human Genetics Tuebingen
Classification: Uncertain significance. Last evaluated: 2026-08-01. Review status: criteria provided, single submitter. Criteria: CeGaT Center For Human Genetics Tuebingen Variant Classification Criteria Version 2. Collection method: clinical testing. Allele origin: germline. Affected: yes. Observed: 1 variant allele.
Comment: HSD17B4: PM2

PreventionGenetics, part of Exact Sciences
Classification: Uncertain significance for HSD17B4-related condition. Last evaluated: 2026-07-21. Review status: criteria provided, single submitter. Criteria: ACMG Guidelines, 2015. Collection method: clinical testing. Allele origin: germline.
Comment: The HSD17B4 c.796C>T variant is predicted to result in the amino acid substitution p.Pro266Ser. To our knowledge, this variant has not been reported in the literature. This variant is reported in 0.0054% of alleles in individuals of East Asian descent in gnomAD. At this time, the clinical significance of this variant is uncertain due to the absence of conclusive functional and genetic evidence.

Ambry Genetics
Classification: Uncertain significance for Inborn genetic diseases. Last evaluated: 2025-04-12. Review status: criteria provided, single submitter. Criteria: Ambry Variant Classification Scheme 2023. Collection method: clinical testing. Allele origin: germline.

GeneDx
Classification: Uncertain significance. Last evaluated: 2024-06-10. Review status: criteria provided, single submitter. Criteria: GeneDx Variant Classification Process June 2021. Collection method: clinical testing. Allele origin: germline. Affected: yes.
Comment: Not observed at significant frequency in large population cohorts (gnomAD); In silico analysis supports that this missense variant has a deleterious effect on protein structure/function; Has not been previously published as pathogenic or benign to our knowledge

Labcorp Genetics (formerly Invitae), Labcorp
Classification: Uncertain significance for Perrault syndrome; Bifunctional peroxisomal enzyme deficiency. Last evaluated: 2022-02-24. Review status: criteria provided, single submitter. Criteria: Invitae Variant Classification Sherloc (09022015). Collection method: clinical testing. Allele origin: germline.
Comment: This sequence change replaces proline, which is neutral and non-polar, with serine, which is neutral and polar, at codon 266 of the HSD17B4 protein (p.Pro266Ser). This variant is present in population databases (rs146555135, gnomAD 0.006%). This variant has not been reported in the literature in individuals affected with HSD17B4-related conditions. ClinVar contains an entry for this variant (Variation ID: 1306816). Advanced modeling of protein sequence and biophysical properties (such as structural, functional, and spatial information, amino acid conservation, physicochemical variation, residue mobility, and thermodynamic stability) performed at Invitae indicates that this missense variant is expected to disrupt HSD17B4 protein function. In summary, the available evidence is currently insufficient to determine the role of this variant in disease. Therefore, it has been classified as a Variant of Uncertain Significance.

NM_000414.4(HSD17B4):c.796C>T (p.Pro266Ser)

Gene: HSD17B4 (hydroxysteroid 17-beta dehydrogenase 4; plus strand). Cytogenetic location: 5q23.1.
Variant type: single nucleotide variant.
Coding change: c.796C>T on transcript NM_000414.4 (MANE Select); coding-DNA position 796, C replaced by T.
Protein change: p.Pro266Ser; replaces proline 266 with serine.
Molecular consequence: missense variant. On other transcripts: non-coding transcript variant (2).
Genome position (GRCh38, 1-based): chr5:119,493,874, C>T. VCF-style: chr5-119493874-C-T. GRCh37 (hg19) VCF-style: chr5-118829569-C-T.
Other names: c.871C>T, p.Pro291Ser (NM_001199291.3); c.742C>T, p.Pro248Ser (NM_001199292.2); c.724C>T, p.Pro242Ser (NM_001292027.2); c.376C>T, p.Pro126Ser (NM_001292028.2); c.787C>T, p.Pro263Ser (NM_001374497.1); c.796C>T, p.Pro266Ser (NM_001374498.1); c.469C>T, p.Pro157Ser (NM_001374499.1); c.355C>T, p.Pro119Ser (NM_001374500.1); and 1 more; short protein forms P119S, P126S, P129S, P157S, P242S, P248S, P263S, P266S.
Identifiers: ClinVar variation 1306816 (VCV001306816.7), dbSNP rs146555135, ClinGen allele CA3381987.